The following is an entry in ClinVar:

ClinVar aggregate classification (germline): Likely benign (1 of 4 stars; one submission).

Conditions:
Leigh syndrome (NULS). Also called: Leigh's necrotizing encephalopathy; Leigh's disease; Leigh Syndrome (mtDNA deletion); Leigh Disease; Subacute necrotizing encephalopathy; Necrotizing encephalopathy infantile subacute of Leigh. Identifiers: Orphanet 506, MedGen C2931891, MONDO:0009723, OMIM 256000.

Submission:

Wong Mito Lab, Molecular and Human Genetics, Baylor College of Medicine
Classification: Likely benign for Leigh syndrome. Last evaluated: 2019-10-17. Review status: criteria provided, single submitter. Criteria: Modified ACMG Guidelines (Unpublished). Collection method: clinical testing. Allele origin: germline.
Comment: The NC_012920.1:m.11582A>G (YP_003024035.1:p.Ile275Val) variant in MTND4 gene is interpretated to be a Likely Benign variant based on the modified ACMG guidelines (unpublished). This variant meets the following evidence codes: BS4, BP4, BP5

NC_012920.1(MT-ND4):m.11582A>G

Gene: MT-ND4 (mitochondrially encoded NADH dehydrogenase 4; plus strand).
Variant type: single nucleotide variant.
Genome position: chrM-11582-A-G.
Identifiers: ClinVar variation 693370 (VCV000693370.1), dbSNP rs1603223348, ClinGen allele CA414810508.